The following is an entry in ClinVar:

NM_024678.6(NARS2):c.606_607insAGC (p.Lys202_Leu203insSer)

Gene: NARS2 (asparaginyl-tRNA synthetase 2, mitochondrial; minus strand). Cytogenetic location: 11q14.1.
Variant type: Insertion.
Coding change: c.606_607insAGC on transcript NM_024678.6 (MANE Select); coding-DNA positions 606 to 607, AGC inserted.
Protein change: p.Lys202_Leu203insSer.
Molecular consequence: inframe insertion. On other transcripts: 5 prime UTR variant (1).
Genome position: GRCh38 VCF-style: chr11-78528924-G-GGCT. GRCh37 (hg19) VCF-style: chr11-78239970-G-GGCT.
Other names: c.-76_-75insAGC (NM_001243251.2).
Identifiers: ClinVar variation 1028841 (VCV001028841.4), dbSNP rs762191692, ClinGen allele CA6205777.
Genomic context (GRCh38, chr11:78,528,924, plus strand): 5'-GTTGTCCTGAGACAGTTAAGAAAGCAGGAACATTGAAGAAATTCTCCTCAGGTACCTTAA[G>GGCT]TTTGCCTGAAGGCTGCAAATCAAAAACATAAGCCACAAAAAACTATTAAATGTTTTGCTT-3'

ClinVar aggregate classification (germline): Uncertain significance. Review status: criteria provided, multiple submitters, no conflicts (2 of 4 stars). 3 submissions from 3 submitters: Uncertain significance (3). Last evaluated 2022-09-19.

Conditions:
Combined oxidative phosphorylation defect type 24. Also called: Combined oxidative phosphorylation deficiency 24. Identifiers: Orphanet 444458, MedGen C4015643, MONDO:0014547, OMIM 616239.

Allele frequency attached by ClinVar (database versions not stated): ExAC 0.00002; gnomAD exomes 0.00003 and 0.00014; TOPMed 0.00025; gnomAD 0.00042 and 0.00043.

Submissions (3):

Labcorp Genetics (formerly Invitae), Labcorp
Classification: Uncertain significance. Last evaluated: 2022-09-19. Review status: criteria provided, single submitter. Criteria: Invitae Variant Classification Sherloc (09022015). Collection method: clinical testing. Allele origin: germline.
Comment: This variant, c.606_607insAGC, results in the insertion of 1 amino acid(s) of the NARS2 protein (p.Lys202_Leu203insSer), but otherwise preserves the integrity of the reading frame. This variant is present in population databases (rs762191692, gnomAD 0.1%). This variant has not been reported in the literature in individuals affected with NARS2-related conditions. ClinVar contains an entry for this variant (Variation ID: 1028841). Experimental studies and prediction algorithms are not available or were not evaluated, and the functional significance of this variant is currently unknown. In summary, the available evidence is currently insufficient to determine the role of this variant in disease. Therefore, it has been classified as a Variant of Uncertain Significance.

Blueprint Genetics
Classification: Uncertain significance. Last evaluated: 2022-01-26. Review status: criteria provided, single submitter. Criteria: ACMG Guidelines, 2015. Collection method: clinical testing. Allele origin: germline.

Baylor Genetics
Classification: Uncertain significance for Combined oxidative phosphorylation defect type 24. Last evaluated: 2019-02-01. Review status: criteria provided, single submitter. Criteria: ACMG Guidelines, 2015. Collection method: clinical testing. Allele origin: unknown. Affected: yes.
Comment: This variant was determined to be of uncertain significance according to ACMG Guidelines, 2015 [PMID:25741868].